The following is an entry in ClinVar:

ClinVar aggregate classification (germline): Pathogenic/Likely pathogenic. Review status: criteria provided, multiple submitters, no conflicts (2 of 4 stars). 2 submissions from 2 submitters: Pathogenic (1); Likely pathogenic (1). Last evaluated 2024-04-22.

Conditions:
Hereditary spastic paraplegia 11. Also called: Spastic paraplegia, mental retardation and thin corpus callosum; SPASTIC PARAPLEGIA, AUTOSOMAL RECESSIVE, COMPLICATED, WITH THIN CORPUS CALLOSUM; SPASTIC PARAPLEGIA, AUTOSOMAL RECESSIVE, WITH MENTAL IMPAIRMENT AND THIN CORPUS CALLOSUM; Spastic Paraplegia 11; Nakamura Osame syndrome; Autosomal recessive hereditary spastic paraplegia, mental impairment, and thin corpus callosum. Identifiers: Orphanet 2822, MedGen C1858479, MONDO:0011445, OMIM 604360.
Charcot-Marie-Tooth disease axonal type 2X. Also called: CHARCOT-MARIE-TOOTH DISEASE, AXONAL, AUTOSOMAL RECESSIVE, TYPE 2X; CHARCOT-MARIE-TOOTH NEUROPATHY, TYPE 2X. Identifiers: Orphanet 466775, MedGen C5569024, MONDO:0014726, OMIM 616668.
Amyotrophic lateral sclerosis type 5 (ALS5). Also called: AMYOTROPHIC LATERAL SCLEROSIS 5, JUVENILE. Identifiers: Orphanet 300605, MedGen C1865864, MONDO:0011196, OMIM 602099.

Submissions (2):

Fulgent Genetics
Classification: Likely pathogenic for Amyotrophic lateral sclerosis type 5; Hereditary spastic paraplegia 11; Charcot-Marie-Tooth disease axonal type 2X. Last evaluated: 2024-04-22. Review status: criteria provided, single submitter. Criteria: ACMG Guidelines, 2015. Collection method: clinical testing. Allele origin: germline.

Labcorp Genetics (formerly Invitae), Labcorp
Classification: Pathogenic for Hereditary spastic paraplegia 11. Last evaluated: 2023-10-04. Review status: criteria provided, single submitter. Criteria: Invitae Variant Classification Sherloc (09022015). Collection method: clinical testing. Allele origin: germline.
Comment: This sequence change creates a premature translational stop signal (p.Val443Serfs*33) in the SPG11 gene. It is expected to result in an absent or disrupted protein product. Loss-of-function variants in SPG11 are known to be pathogenic (PMID: 19105190, 20110243, 22154821, 26556829). This variant is not present in population databases (gnomAD no frequency). This variant has not been reported in the literature in individuals affected with SPG11-related conditions. For these reasons, this variant has been classified as Pathogenic.

Literature cited by the submitters: PubMed 19105190 (cited by Labcorp Genetics (formerly Invitae), Labcorp); PubMed 20110243 (cited by Labcorp Genetics (formerly Invitae), Labcorp); PubMed 22154821 (cited by Labcorp Genetics (formerly Invitae), Labcorp); PubMed 26556829 (cited by Labcorp Genetics (formerly Invitae), Labcorp).

NM_025137.4(SPG11):c.1326dup (p.Val443fs)

Gene: SPG11 (SPG11 vesicle trafficking associated, spatacsin; minus strand). Cytogenetic location: 15q21.1.
Variant type: Duplication.
Coding change: c.1326dup on transcript NM_025137.4 (MANE Select); coding-DNA position 1326, one base duplicated (A; older notation c.1326dupA).
Protein change: p.Val443fs; shifts the reading frame from valine 443.
Molecular consequence: frameshift variant.
Genome position (GRCh38, 1-based): chr15:44,651,621, T duplicated on the plus strand (A on the coding strand, the reverse complement: SPG11 is on the minus strand); the first of 2 consecutive T bases (chr15:44,651,621-44,651,622); duplicating either gives the same sequence. VCF-style (leftmost placement, unchanged base first): chr15-44651620-C-CT. GRCh37 (hg19) VCF-style: chr15-44943818-C-CT.
Other names: c.1326dup, p.Val443fs (NM_001160227.2, NM_001411132.1); short protein forms V443fs.
Identifiers: ClinVar variation 2765321 (VCV002765321.4), dbSNP rs2505725884, ClinGen allele CA2697554439.
Genomic context (GRCh38, chr15:44,651,620, plus strand): 5'-AACACTGCATGCCCTGGGTCTCCAAATCCCAGAGGGTAATGGTATAGCCCATCCTTTCCA[C>CT]TTCCCAAGTAAACAGTGCAGTGAATCCTGTCACAGACACACATTTAAGCTCTATGGGTTC-3'